The following is an entry in ClinVar:

ClinVar aggregate classification (germline): Uncertain significance (1 of 4 stars; one submission).

Conditions:
Ataxia-telangiectasia syndrome (AT). Also called: Ataxia-telangiectasia, complementation group D; AT, COMPLEMENTATION GROUP C; ATAXIA-TELANGIECTASIA, COMPLEMENTATION GROUP A; ATAXIA-TELANGIECTASIA, FRESNO VARIANT; Ataxia-telangiectasia; LOUIS-BAR SYNDROME. Identifiers: Orphanet 100, MedGen C0004135, MONDO:0008840, OMIM 208900.

Submission:

Labcorp Genetics (formerly Invitae), Labcorp
Classification: Uncertain significance for Ataxia-telangiectasia syndrome. Last evaluated: 2018-11-01. Review status: criteria provided, single submitter. Criteria: Invitae Variant Classification Sherloc (09022015). Collection method: clinical testing. Allele origin: germline.
Comment: In summary, the available evidence is currently insufficient to determine the role of this variant in disease. Therefore, it has been classified as a Variant of Uncertain Significance. Nucleotide substitutions within the consensus splice site are a relatively common cause of aberrant splicing (PMID: 17576681, 9536098). Algorithms developed to predict the effect of sequence changes on RNA splicing suggest that this variant may disrupt the consensus splice site, but this prediction has not been confirmed by published transcriptional studies. Algorithms developed to predict the effect of missense changes on protein structure and function are either unavailable or do not agree on the potential impact of this missense change (SIFT: "Deleterious"; PolyPhen-2: "Probably Damaging"; Align-GVGD: "Class C15"). This variant has not been reported in the literature in individuals with ATM-related disease. This variant is not present in population databases (ExAC no frequency). This sequence change replaces glutamine with histidine at codon 2002 of the ATM protein (p.Gln2002His). The glutamine residue is highly conserved and there is a small physicochemical difference between glutamine and histidine. This variant also falls at the last nucleotide of exon 40 of the ATM coding sequence, which is part of the consensus splice site for this exon.

Literature cited by the submitters: PubMed 17576681; PubMed 9536098.

NM_000051.4(ATM):c.6006G>C (p.Gln2002His)

Genes: ATM (ATM serine/threonine kinase; plus strand), C11orf65 (chromosome 11 open reading frame 65; minus strand). Cytogenetic location: 11q22.3.
Variant type: single nucleotide variant.
Coding change: c.6006G>C on transcript NM_000051.4 (MANE Select); coding-DNA position 6006, G replaced by C.
Protein change: p.Gln2002His; replaces glutamine 2002 with histidine.
Molecular consequence: missense variant. On other transcripts: intron variant (2).
Genome position (GRCh38, 1-based): chr11:108,312,498, G>C. VCF-style: chr11-108312498-G-C. GRCh37 (hg19) VCF-style: chr11-108183225-G-C.
Other names: c.6006G>C, p.Gln2002His (NM_001351834.2); c.641-3427C>G (NM_001330368.2); c.*39-3427C>G (NM_001351110.2); short protein forms Q2002H.
Identifiers: ClinVar variation 661383 (VCV000661383.9), dbSNP rs1591759073, ClinGen allele CA382548818.
Genomic context (GRCh38, chr11:108,312,498, plus strand): 5'-GAGTACAACTATTTCTAGCTTGAGTGAAAAAAGTAAAGAAGAAACTGGAATAAGTTTACA[G>C]GTAAATATTAGAGGCTCTATTATTTATGACAGTATTTATCTCATACTTTGGGTTATTTTG-3'
Protein context (NP_000042.3, residues 1992-2012): KSKEETGISL[Gln2002His]DLLLEIYRSI